The following is an entry in ClinVar:

ClinVar aggregate classification (germline): Likely benign (1 of 4 stars; one submission).

gnomAD v4.1: 2 of 1,614,044 alleles (0.00012%); highest among the groups gnomAD compares: East Asian, 0.0045%; no homozygotes.

Submission:

CeGaT Center for Human Genetics Tuebingen
Classification: Likely benign. Last evaluated: 2025-01-01. Review status: criteria provided, single submitter. Criteria: CeGaT Center For Human Genetics Tuebingen Variant Classification Criteria Version 2. Collection method: clinical testing. Allele origin: germline. Affected: yes. Observed: 1 variant allele.
Comment: MED12L: BP4, BP7

NM_001393769.1(MED12L):c.5295G>T (p.Leu1765=)

Gene: MED12L (mediator complex subunit 12L; plus strand). Cytogenetic location: 3q25.1.
Variant type: single nucleotide variant.
Coding change: c.5295G>T on transcript NM_001393769.1 (MANE Select); coding-DNA position 5295, G replaced by T.
Protein change: p.Leu1765=; no amino-acid change (leucine 1765 retained).
Molecular consequence: synonymous variant.
Genome position (GRCh38, 1-based): chr3:151,388,016, G>T. VCF-style: chr3-151388016-G-T. GRCh37 (hg19) VCF-style: chr3-151105804-G-T.
Other names: c.5190G>T, p.Leu1730= (NM_053002.6).
Identifiers: ClinVar variation 3771270 (VCV003771270.13).